The following is an entry in ClinVar:

ClinVar aggregate classification (germline): Uncertain significance (1 of 4 stars; one submission).

Submission:

Labcorp Genetics (formerly Invitae), Labcorp
Classification: Uncertain significance. Last evaluated: 2021-04-04. Review status: criteria provided, single submitter. Criteria: Invitae Variant Classification Sherloc (09022015). Collection method: clinical testing. Allele origin: germline.
Comment: In summary, the available evidence is currently insufficient to determine the role of this variant in disease. Therefore, it has been classified as a Variant of Uncertain Significance. Experimental studies and prediction algorithms are not available or were not evaluated, and the functional significance of this variant is currently unknown. This variant has not been reported in the literature in individuals with EYS-related conditions. The frequency data for this variant in the population databases is considered unreliable, as metrics indicate insufficient coverage at this position in the ExAC database. This variant occurs in a non-coding region of the EYS gene. It does not change the encoded amino acid sequence of the EYS protein.

NM_001142800.2(EYS):c.-432T>G

Gene: EYS (EGF-like photoreceptor maintenance factor; minus strand). Cytogenetic location: 6q12.
Variant type: single nucleotide variant.
Coding change: c.-432T>G on transcript NM_001142800.2 (MANE Select); 432 bases upstream of the start codon, T replaced by G.
Molecular consequence: 5 prime UTR variant.
Genome position (GRCh38, 1-based): chr6:65,639,877, A>C on the plus strand (T>G on the coding strand, the complement: EYS is on the minus strand). VCF-style: chr6-65639877-A-C. GRCh37 (hg19) VCF-style: chr6-66349770-A-C.
Other names: c.-432T>G (NM_001142801.2, NM_001292009.2).
Identifiers: ClinVar variation 1384743 (VCV001384743.6), dbSNP rs2149812941, ClinGen allele CA2573141051.